The following is an entry in ClinVar:

NM_001349999.2(RBFOX2):c.403A>G (p.Thr135Ala)

Gene: RBFOX2 (RNA binding fox-1 homolog 2; minus strand). Cytogenetic location: 22q12.3.
Variant type: single nucleotide variant.
Coding change: c.403A>G on transcript NM_001349999.2 (MANE Select); coding-DNA position 403, A replaced by G.
Protein change: p.Thr135Ala; replaces threonine 135 with alanine.
Molecular consequence: missense variant.
Genome position (GRCh38, 1-based): chr22:35,809,839, T>C on the plus strand (A>G on the coding strand, the complement: RBFOX2 is on the minus strand). VCF-style: chr22-35809839-T-C. GRCh37 (hg19) VCF-style: chr22-36205886-T-C.
Other names: c.193A>G, p.Thr65Ala (NM_001031695.4, NM_001082576.3, NM_001082577.3 and 4 more transcripts); c.403A>G, p.Thr135Ala (NM_001082578.4, NM_001082579.3, NM_001394108.1 and 7 more transcripts); c.259A>G, p.Thr87Ala (NM_001349982.2, NM_001349989.2, NM_001349990.2 and 5 more transcripts); short protein forms T135A, T65A, T87A.
Identifiers: ClinVar variation 2418457 (VCV002418457.6), dbSNP rs963341482, ClinGen allele CA323931554.

ClinVar aggregate classification (germline): Uncertain significance (1 of 4 stars; one submission).

Allele frequency attached by ClinVar (database versions not stated): gnomAD exomes 0.00001.
gnomAD v4.1: 17 of 1,614,132 alleles (0.0011%); highest among the groups gnomAD compares: Admixed American, 0.01%; no homozygotes.

Submission:

Labcorp Genetics (formerly Invitae), Labcorp
Classification: Uncertain significance. Last evaluated: 2022-02-12. Review status: criteria provided, single submitter. Criteria: Invitae Variant Classification Sherloc (09022015). Collection method: clinical testing. Allele origin: germline.
Comment: In summary, the available evidence is currently insufficient to determine the role of this variant in disease. Therefore, it has been classified as a Variant of Uncertain Significance. Algorithms developed to predict the effect of missense changes on protein structure and function are either unavailable or do not agree on the potential impact of this missense change (SIFT: "Not Available"; PolyPhen-2: "Benign"; Align-GVGD: "Not Available"). This variant has not been reported in the literature in individuals affected with RBFOX2-related conditions. This variant is present in population databases (no rsID available, gnomAD 0.009%). This sequence change replaces threonine, which is neutral and polar, with alanine, which is neutral and non-polar, at codon 135 of the RBFOX2 protein (p.Thr135Ala).